The following is an entry in ClinVar:

ClinVar aggregate classification (germline): Uncertain significance (1 of 4 stars; one submission).

Submission:

Labcorp Genetics (formerly Invitae), Labcorp
Classification: Uncertain significance. Last evaluated: 2025-12-09. Review status: criteria provided, single submitter. Criteria: Invitae Variant Classification Sherloc (09022015). Collection method: clinical testing. Allele origin: germline.
Comment: This sequence change replaces glycine, which is neutral and non-polar, with cysteine, which is neutral and slightly polar, at codon 406 of the CACNA2D4 protein (p.Gly406Cys). This variant is not present in population databases (gnomAD no frequency). This variant has not been reported in the literature in individuals affected with CACNA2D4-related conditions. ClinVar contains an entry for this variant (Variation ID: 1721358). An algorithm developed to predict the effect of missense changes on protein structure and function (PolyPhen-2) suggests that this variant is likely to be disruptive. In summary, the available evidence is currently insufficient to determine the role of this variant in disease. Therefore, it has been classified as a Variant of Uncertain Significance.

NM_172364.5(CACNA2D4):c.1216G>T (p.Gly406Cys)

Gene: CACNA2D4 (calcium voltage-gated channel auxiliary subunit alpha2delta 4; minus strand). Cytogenetic location: 12p13.33.
Variant type: single nucleotide variant.
Coding change: c.1216G>T on transcript NM_172364.5 (MANE Select); coding-DNA position 1216, G replaced by T.
Protein change: p.Gly406Cys; replaces glycine 406 with cysteine.
Molecular consequence: missense variant.
Genome position (GRCh38, 1-based): chr12:1,884,824, C>A on the plus strand (G>T on the coding strand, the complement: CACNA2D4 is on the minus strand). VCF-style: chr12-1884824-C-A. GRCh37 (hg19) VCF-style: chr12-1993990-C-A.
Other names: short protein forms G406C.
Identifiers: ClinVar variation 1721358 (VCV001721358.5), dbSNP rs375148197, ClinGen allele CA383358415.